The following is an entry in ClinVar:

ClinVar aggregate classification (germline): Uncertain significance (1 of 4 stars; one submission).

Allele frequency attached by ClinVar (database versions not stated): gnomAD 0.00001.

Submission:

Labcorp Genetics (formerly Invitae), Labcorp
Classification: Uncertain significance. Last evaluated: 2022-07-19. Review status: criteria provided, single submitter. Criteria: Invitae Variant Classification Sherloc (09022015). Collection method: clinical testing. Allele origin: germline.
Comment: In summary, the available evidence is currently insufficient to determine the role of this variant in disease. Therefore, it has been classified as a Variant of Uncertain Significance. Algorithms developed to predict the effect of missense changes on protein structure and function output the following: SIFT: "Tolerated"; PolyPhen-2: "Benign"; Align-GVGD: "Class C0". The phenylalanine amino acid residue is found in multiple mammalian species, which suggests that this missense change does not adversely affect protein function. ClinVar contains an entry for this variant (Variation ID: 1422753). This variant has not been reported in the literature in individuals affected with ANKZF1-related conditions. This variant is not present in population databases (gnomAD no frequency). This sequence change replaces leucine, which is neutral and non-polar, with phenylalanine, which is neutral and non-polar, at codon 704 of the ANKZF1 protein (p.Leu704Phe).

NM_018089.3(ANKZF1):c.2110C>T (p.Leu704Phe)

Gene: ANKZF1 (ankyrin repeat and zinc finger peptidyl tRNA hydrolase 1; plus strand). Cytogenetic location: 2q35.
Variant type: single nucleotide variant.
Coding change: c.2110C>T on transcript NM_018089.3 (MANE Select); coding-DNA position 2110, C replaced by T.
Protein change: p.Leu704Phe; replaces leucine 704 with phenylalanine.
Molecular consequence: missense variant.
Genome position (GRCh38, 1-based): chr2:219,236,374, C>T. VCF-style: chr2-219236374-C-T. GRCh37 (hg19) VCF-style: chr2-220101096-C-T.
Other names: c.2110C>T, p.Leu704Phe (NM_001042410.2); c.1480C>T, p.Leu494Phe (NM_001282792.2); short protein forms L494F, L704F.
Identifiers: ClinVar variation 1422753 (VCV001422753.8), dbSNP rs1951235974, ClinGen allele CA350689517.